The following is an entry in ClinVar:

NM_002524.5(NRAS):c.290+15A>C

Gene: NRAS (NRAS proto-oncogene, GTPase; minus strand). Cytogenetic location: 1p13.2.
Variant type: single nucleotide variant.
Coding change: c.290+15A>C on transcript NM_002524.5 (MANE Select); 15 bases into the intron after coding-DNA position 290, A replaced by C.
Molecular consequence: intron variant.
Genome position (GRCh38, 1-based): chr1:114,713,785, T>G on the plus strand (A>C on the coding strand, the complement: NRAS is on the minus strand). VCF-style: chr1-114713785-T-G. GRCh37 (hg19) VCF-style: chr1-115256406-T-G.
Other names: c.290+15A>C (LRG_92t1).
Identifiers: ClinVar variation 516515 (VCV000516515.9), dbSNP rs373417606, ClinGen allele CA29044732.

ClinVar aggregate classification (germline): Likely benign. Review status: criteria provided, multiple submitters, no conflicts (2 of 4 stars). 3 submissions from 3 submitters: Likely benign (3). Last evaluated 2025-10-13.

Conditions:
RASopathy. Also called: rasopathies; Noonan spectrum disorder. Identifiers: Orphanet 536391, MedGen C5555857, MONDO:0021060.

gnomAD v4.1: 2 of 1,602,898 alleles (0.00012%); highest among the groups gnomAD compares: African/African-American, 0.0013%; no homozygotes.

Submissions (3):

Labcorp Genetics (formerly Invitae), Labcorp
Classification: Likely benign for RASopathy. Last evaluated: 2025-10-13. Review status: criteria provided, single submitter. Criteria: Invitae Variant Classification Sherloc (09022015). Collection method: clinical testing. Allele origin: germline.

Women's Health and Genetics/Laboratory Corporation of America, LabCorp
Classification: Likely benign. Last evaluated: 2024-07-08. Review status: criteria provided, single submitter. Criteria: LabCorp Variant Classification Summary - May 2015. Collection method: clinical testing. Allele origin: germline.
Comment: Variant summary: NRAS c.290+15A>C alters a non-conserved nucleotide located at a position not widely known to affect splicing. Consensus agreement among computation tools predict no significant impact on normal splicing. However, these predictions have yet to be confirmed by functional studies. The variant was absent in 251218 control chromosomes. The available data on variant occurrences in the general population are insufficient to allow any conclusion about variant significance. To our knowledge, no occurrence of c.290+15A>C in individuals affected with Noonan Syndrome And Related Conditions and no experimental evidence demonstrating its impact on protein function have been reported. The following publications have been ascertained in the context of this evaluation (PMID: 22220252, 27069254, 26980726, FDA_cetuximab, FDA_panitumumab, 29692343, 27121720, 23708912, NCCN_MDS, 24806883, 27276561, 17671181, 23325582). ClinVar contains an entry for this variant (Variation ID: 516515). Based on the evidence outlined above, the variant was classified as likely benign.

GeneDx
Classification: Likely benign. Last evaluated: 2017-12-07. Review status: criteria provided, single submitter. Criteria: GeneDx Variant Classification (06012015). Collection method: clinical testing. Allele origin: germline. Affected: yes.
Comment: This variant is considered likely benign or benign based on one or more of the following criteria: it is a conservative change, it occurs at a poorly conserved position in the protein, it is predicted to be benign by multiple in silico algorithms, and/or has population frequency not consistent with disease.

Literature cited by the submitters: PubMed 26980726 (cited by Women's Health and Genetics/Laboratory Corporation of America, LabCorp); PubMed 27121720 (cited by Women's Health and Genetics/Laboratory Corporation of America, LabCorp); PubMed 24806883 (cited by Women's Health and Genetics/Laboratory Corporation of America, LabCorp); PubMed 17671181 (cited by Women's Health and Genetics/Laboratory Corporation of America, LabCorp); PubMed 23325582 (cited by Women's Health and Genetics/Laboratory Corporation of America, LabCorp); PubMed 22220252 (cited by Women's Health and Genetics/Laboratory Corporation of America, LabCorp); PubMed 23708912 (cited by Women's Health and Genetics/Laboratory Corporation of America, LabCorp); PubMed 29692343 (cited by Women's Health and Genetics/Laboratory Corporation of America, LabCorp); PubMed 27276561 (cited by Women's Health and Genetics/Laboratory Corporation of America, LabCorp); PubMed 27069254 (cited by Women's Health and Genetics/Laboratory Corporation of America, LabCorp).